The following is an entry in ClinVar:

NM_005559.4(LAMA1):c.5890G>T (p.Gly1964Cys)

Gene: LAMA1 (laminin subunit alpha 1; minus strand). Cytogenetic location: 18p11.31.
Variant type: single nucleotide variant.
Coding change: c.5890G>T on transcript NM_005559.4 (MANE Select); coding-DNA position 5890, G replaced by T.
Protein change: p.Gly1964Cys; replaces glycine 1964 with cysteine.
Molecular consequence: missense variant.
Genome position (GRCh38, 1-based): chr18:6,982,497, C>A on the plus strand (G>T on the coding strand, the complement: LAMA1 is on the minus strand). VCF-style: chr18-6982497-C-A. GRCh37 (hg19) VCF-style: chr18-6982496-C-A.
Other names: short protein forms G1964C.
Identifiers: ClinVar variation 2195477 (VCV002195477.1), dbSNP rs768885419, ClinGen allele CA8881442.

ClinVar aggregate classification (germline): Uncertain significance (1 of 4 stars; one submission).

Allele frequency attached by ClinVar (database versions not stated): ExAC 0.00001; gnomAD exomes 0.00001.
gnomAD v4.1: 10 of 1,613,950 alleles (0.00062%); highest among the groups gnomAD compares: Admixed American, 0.005%; no homozygotes.

Submission:

Labcorp Genetics (formerly Invitae), Labcorp
Classification: Uncertain significance. Last evaluated: 2022-01-01. Review status: criteria provided, single submitter. Criteria: Invitae Variant Classification Sherloc (09022015). Collection method: clinical testing. Allele origin: germline.
Comment: This sequence change replaces glycine, which is neutral and non-polar, with cysteine, which is neutral and slightly polar, at codon 1964 of the LAMA1 protein (p.Gly1964Cys). This variant also falls at the last nucleotide of exon 41, which is part of the consensus splice site for this exon. This variant is present in population databases (rs768885419, gnomAD 0.003%). This variant has not been reported in the literature in individuals affected with LAMA1-related conditions. Algorithms developed to predict the effect of missense changes on protein structure and function are either unavailable or do not agree on the potential impact of this missense change (SIFT: "Tolerated"; PolyPhen-2: "Probably Damaging"; Align-GVGD: "Class C0"). Variants that disrupt the consensus splice site are a relatively common cause of aberrant splicing (PMID: 17576681, 9536098). Algorithms developed to predict the effect of sequence changes on RNA splicing suggest that this variant may disrupt the consensus splice site. In summary, the available evidence is currently insufficient to determine the role of this variant in disease. Therefore, it has been classified as a Variant of Uncertain Significance.

Literature cited by the submitters: PubMed 17576681; PubMed 9536098.